The following is an entry in ClinVar:

NM_000138.5(FBN1):c.164+3A>G

Gene: FBN1 (fibrillin 1; minus strand). Cytogenetic location: 15q21.1.
Variant type: single nucleotide variant.
Coding change: c.164+3A>G on transcript NM_000138.5 (MANE Select); 3 bases into the intron after coding-DNA position 164, A replaced by G.
Molecular consequence: intron variant.
Genome position (GRCh38, 1-based): chr15:48,644,603, T>C on the plus strand (A>G on the coding strand, the complement: FBN1 is on the minus strand). VCF-style: chr15-48644603-T-C. GRCh37 (hg19) VCF-style: chr15-48936800-T-C.
Other names: c.164+3A>G (NM_001406716.1, NM_001406717.1, NM_001406718.1 and 1 more transcripts).
Identifiers: ClinVar variation 2500030 (VCV002500030.5), dbSNP rs1597652265, ClinGen allele CA2580089563.

ClinVar aggregate classification (germline): Conflicting classifications of pathogenicity. Review status: criteria provided, conflicting classifications (1 of 4 stars). 2 submissions from 2 submitters: Likely pathogenic (1); Uncertain significance (1). Last evaluated 2026-08-25.

Conditions:
Marfan syndrome (MFS). Also called: Marfan syndrome type 1; Marfan's syndrome; MARFAN SYNDROME, TYPE I; Marfan syndrome, classic; FBN1-Related Marfan Syndrome. Identifiers: Orphanet 284963, Orphanet 558, MedGen C0024796, MONDO:0007947, OMIM 154700.
Familial thoracic aortic aneurysm and aortic dissection (TAAD). Also called: Thoracic aortic aneurysms and dissections. Identifiers: Orphanet 91387, MedGen C4707243, MONDO:0019625.

Allele frequency attached by ClinVar (database versions not stated): gnomAD exomes below 0.00001.
gnomAD v4.1: 1 of 1,614,128 alleles (0.000062%); highest among the groups gnomAD compares: Non-Finnish European, 0.000085%; no homozygotes.

Submissions (2):

Ambry Genetics
Classification: Uncertain significance for Familial thoracic aortic aneurysm and aortic dissection. Last evaluated: 2026-08-25. Review status: criteria provided, single submitter. Criteria: Ambry Variant Classification Scheme 2023. Collection method: clinical testing. Allele origin: germline.
Comment: The c.164+3A>G intronic variant results from an A to G substitution 3 nucleotides after coding exon 1 in the FBN1 gene. This nucleotide position is highly conserved in available vertebrate species. In silico splice site analysis predicts that this alteration will weaken the native splice donor site. Based on the available evidence, the clinical significance of this variant remains unclear.

Center for Genomics, Ann and Robert H. Lurie Children's Hospital of Chicago
Classification: Likely pathogenic for Marfan syndrome. Last evaluated: 2025-05-21. Review status: criteria provided, single submitter. Criteria: ACMG Guidelines, 2015. Collection method: clinical testing. Allele origin: germline. Inheritance: Autosomal dominant inheritance.
Comment: This variant has not been reported in the literature or in disease-specific databases, and is present in a single individual in gnomAD. This variant occurs in the splice region, and computational prediction tools strongly suggest this variant may impact splicing by weakening the splice donor at the exon 1-intron 1 junction. It is predicted by computational tools to weaken the splice donor site and strengthen a downstream cryptic donor site. Other variants affecting this splice donor (c.164G>C, c.164+1G>A, c.164+1G>T) have been reported in individuals with clinical diagnoses of Marfan syndrome and have similar predicted effects on RNA splicing, supporting the potential pathogenicity of c.164+3A>G (Stheneur 2009 PMID: 19293843; Meester 2022 PMID: 35058154; Aalberts 2014 PMID: 24161884). In summary, data on this variant is highly suspicious for disease, but requires further evidence for pathogenicity. Therefore, this variant is classified as likely pathogenic.

Literature cited by the submitters: PubMed 19293843 (cited by Center for Genomics, Ann and Robert H. Lurie Children's Hospital of Chicago); PubMed 35058154 (cited by Center for Genomics, Ann and Robert H. Lurie Children's Hospital of Chicago); PubMed 24161884 (cited by Center for Genomics, Ann and Robert H. Lurie Children's Hospital of Chicago).